The following is an entry in ClinVar:

ClinVar aggregate classification (germline): Uncertain significance (1 of 4 stars; one submission).

Conditions:
Immunodeficiency, common variable, 7. Identifiers: Orphanet 1572, Orphanet 696894, MedGen C3542922, MONDO:0013862, OMIM 614699.

Submission:

Labcorp Genetics (formerly Invitae), Labcorp
Classification: Uncertain significance for Common variable immunodeficiency 7. Last evaluated: 2019-11-29. Review status: criteria provided, single submitter. Criteria: Invitae Variant Classification Sherloc (09022015). Collection method: clinical testing. Allele origin: germline.
Comment: This sequence change replaces serine with glycine at codon 632 of the CR2 protein (p.Ser632Gly). The serine residue is weakly conserved and there is a small physicochemical difference between serine and glycine. This variant is not present in population databases (ExAC no frequency). This variant has not been reported in the literature in individuals with CR2-related conditions. Algorithms developed to predict the effect of missense changes on protein structure and function (SIFT, PolyPhen-2, Align-GVGD) all suggest that this variant is likely to be tolerated, but these predictions have not been confirmed by published functional studies and their clinical significance is uncertain. In summary, the available evidence is currently insufficient to determine the role of this variant in disease. Therefore, it has been classified as a Variant of Uncertain Significance.

NM_001006658.3(CR2):c.1894A>G (p.Ser632Gly)

Gene: CR2 (complement C3d receptor 2; plus strand). Cytogenetic location: 1q32.2.
Variant type: single nucleotide variant.
Coding change: c.1894A>G on transcript NM_001006658.3 (MANE Select); coding-DNA position 1894, A replaced by G.
Protein change: p.Ser632Gly; replaces serine 632 with glycine.
Molecular consequence: missense variant.
Genome position (GRCh38, 1-based): chr1:207,473,095, A>G. VCF-style: chr1-207473095-A-G. GRCh37 (hg19) VCF-style: chr1-207646440-A-G.
Other names: c.1894A>G, p.Ser632Gly (NM_001877.5); short protein forms S632G.
Identifiers: ClinVar variation 840307 (VCV000840307.1), dbSNP rs1658332296, ClinGen allele CA344535134.